The following is an entry in ClinVar:

ClinVar aggregate classification (germline): Uncertain significance. Review status: criteria provided, multiple submitters, no conflicts (2 of 4 stars). 2 submissions from 2 submitters: Uncertain significance (2). Last evaluated 2025-01-18.

Conditions:
Pulmonary fibrosis and/or bone marrow failure, Telomere-related, 3. Also called: PULMONARY FIBROSIS AND/OR BONE MARROW FAILURE SYNDROME, TELOMERE-RELATED, 3. Identifiers: Orphanet 2032, MedGen C4225346, MONDO:0014613, OMIM 616373.
Dyskeratosis congenita, autosomal recessive 5 (DKCB5). Identifiers: MedGen C3554656, MONDO:0014076, OMIM 615190.
Inborn genetic diseases. Identifiers: MedGen C0950123, MeSH D030342.

Allele frequency attached by ClinVar (database versions not stated): TOPMed 0.00002; gnomAD exomes 0.00001.
gnomAD v4.1: 2 of 1,611,928 alleles (0.00012%); highest among the groups gnomAD compares: African/African-American, 0.0013%; no homozygotes.

Submissions (2):

Ambry Genetics
Classification: Uncertain significance for Inborn genetic diseases. Last evaluated: 2025-01-18. Review status: criteria provided, single submitter. Criteria: Ambry Variant Classification Scheme 2023. Collection method: clinical testing. Allele origin: germline.
Comment: The p.Q988R variant (also known as c.2963A>G), located in coding exon 29 of the RTEL1 gene, results from an A to G substitution at nucleotide position 2963. The glutamine at codon 988 is replaced by arginine, an amino acid with highly similar properties. This amino acid position is conserved. In addition, this alteration is predicted to be tolerated by in silico analysis. Based on the available evidence, the clinical significance of this variant remains unclear.

Labcorp Genetics (formerly Invitae), Labcorp
Classification: Uncertain significance for Dyskeratosis congenita, autosomal recessive 5; Pulmonary fibrosis and/or bone marrow failure, Telomere-related, 3. Last evaluated: 2021-11-04. Review status: criteria provided, single submitter. Criteria: Invitae Variant Classification Sherloc (09022015). Collection method: clinical testing. Allele origin: germline.
Comment: Algorithms developed to predict the effect of missense changes on protein structure and function output the following: SIFT: "Tolerated"; PolyPhen-2: "Benign"; Align-GVGD: "Class C0". The arginine amino acid residue is found in multiple mammalian species, which suggests that this missense change does not adversely affect protein function. In summary, the available evidence is currently insufficient to determine the role of this variant in disease. Therefore, it has been classified as a Variant of Uncertain Significance. This variant has not been reported in the literature in individuals affected with RTEL1-related conditions. This variant is present in population databases (no rsID available, gnomAD 0.007%). This sequence change replaces glutamine, which is neutral and polar, with arginine, which is basic and polar, at codon 988 of the RTEL1 protein (p.Gln988Arg).

NM_001283009.2(RTEL1):c.2963A>G (p.Gln988Arg)

Genes: RTEL1 (regulator of telomere elongation helicase 1; plus strand), RTEL1-TNFRSF6B (RTEL1-TNFRSF6B readthrough (NMD candidate); plus strand). Cytogenetic location: 20q13.33.
Variant type: single nucleotide variant.
Coding change: c.2963A>G on transcript NM_001283009.2 (MANE Select); coding-DNA position 2963, A replaced by G.
Protein change: p.Gln988Arg; replaces glutamine 988 with arginine.
Molecular consequence: missense variant. On other transcripts: non-coding transcript variant (1).
Genome position (GRCh38, 1-based): chr20:63,693,254, A>G. VCF-style: chr20-63693254-A-G. GRCh37 (hg19) VCF-style: chr20-62324607-A-G.
Other names: c.2294A>G, p.Gln765Arg (NM_001283010.1); c.2963A>G, p.Gln988Arg (NM_016434.4); c.3035A>G, p.Gln1012Arg (NM_032957.5); short protein forms Q988R, Q1012R, Q765R.
Identifiers: ClinVar variation 1445512 (VCV001445512.7), dbSNP rs1357930914, ClinGen allele CA409683388.